The following is an entry in ClinVar:

ClinVar aggregate classification (germline): Pathogenic. Review status: criteria provided, multiple submitters, no conflicts (2 of 4 stars). 2 submissions from 2 submitters: Pathogenic (2). Last evaluated 2024-02-01.

Conditions:
Werner syndrome (WRN). Identifiers: Orphanet 902, MedGen C0043119, MONDO:0010196, OMIM 277700.

Submissions (2):

Neuberg Centre For Genomic Medicine, NCGM
Classification: Pathogenic for Werner syndrome. Last evaluated: 2024-02-01. Review status: criteria provided, single submitter. Criteria: ACMG Guidelines, 2015. Collection method: clinical testing. Allele origin: germline. Inheritance: Autosomal recessive inheritance.
Comment: The observed variant has been reported in homozgygous state in individual(s) affected with Werner syndrome (Singh A et. al., 2020). This variant is predicted to cause loss of normal protein function through protein truncation. Loss of function variants have been previously reported to be disease causing.

Baylor Genetics
Classification: Pathogenic for Werner syndrome. Last evaluated: 2023-11-13. Review status: criteria provided, single submitter. Criteria: ACMG Guidelines, 2015. Collection method: clinical testing. Allele origin: unknown.

NM_000553.6(WRN):c.3190C>T (p.Gln1064Ter)

Gene: WRN (WRN RecQ like helicase; plus strand). Cytogenetic location: 8p12.
Variant type: single nucleotide variant.
Coding change: c.3190C>T on transcript NM_000553.6 (MANE Select); coding-DNA position 3190, C replaced by T.
Protein change: p.Gln1064Ter; replaces glutamine 1064 with a stop codon.
Molecular consequence: nonsense.
Genome position (GRCh38, 1-based): chr8:31,141,732, C>T. VCF-style: chr8-31141732-C-T. GRCh37 (hg19) VCF-style: chr8-30999248-C-T.
Other names: short protein forms Q1064*.
Identifiers: ClinVar variation 2679593 (VCV002679593.3), dbSNP rs2536031186, ClinGen allele CA370923086.